The following is an entry in ClinVar:

ClinVar aggregate classification (germline): Conflicting classifications of pathogenicity. Review status: criteria provided, conflicting classifications (1 of 4 stars). 4 submissions from 4 submitters: Uncertain significance (1); Likely benign (3). Last evaluated 2024-08-27.

Conditions:
Cardiomyopathy (CMYO). Also called: Cardiomyopathies. Identifiers: Orphanet 167848, MedGen C0878544, MONDO:0004994, HP:0001638. Inheritance: Various modes of inheritance.
Arrhythmogenic right ventricular dysplasia 9 (ARVD9). Also called: Arrhythmogenic Right Ventricular Dysplasia/Cardiomyopathy 9; ARRHYTHMOGENIC RIGHT VENTRICULAR DYSPLASIA, FAMILIAL, 9. Identifiers: MedGen C1836906, MONDO:0012180, OMIM 609040.
Arrhythmogenic right ventricular cardiomyopathy (ARVD). Also called: Arrhythmogenic cardiomyopathy; Arrhythmogenic Right Ventricular Cardiomyopathy (ARVC); Cardiomyopathy, ARVC; Arrhythmogenic right ventricular dysplasia. Identifiers: Orphanet 247, MedGen C0349788, MeSH D019571, MONDO:0016587. Disease mechanism: loss of function. Inheritance: Various modes of inheritance.

Submissions (4):

Labcorp Genetics (formerly Invitae), Labcorp
Classification: Uncertain significance for Arrhythmogenic right ventricular dysplasia 9. Last evaluated: 2024-08-27. Review status: criteria provided, single submitter. Criteria: Invitae Variant Classification Sherloc (09022015). Collection method: clinical testing. Allele origin: germline.
Comment: This sequence change affects codon 830 of the PKP2 mRNA. It is a 'silent' change, meaning that it does not change the encoded amino acid sequence of the PKP2 protein. It affects a nucleotide within the consensus splice site. This variant is not present in population databases (gnomAD no frequency). This variant has not been reported in the literature in individuals affected with PKP2-related conditions. ClinVar contains an entry for this variant (Variation ID: 517935). Algorithms developed to predict the effect of sequence changes on RNA splicing suggest that this variant is not likely to affect RNA splicing. In summary, the available evidence is currently insufficient to determine the role of this variant in disease. Therefore, it has been classified as a Variant of Uncertain Significance.

All of Us Research Program, National Institutes of Health
Classification: Likely benign for Arrhythmogenic right ventricular cardiomyopathy. Last evaluated: 2023-10-02. Review status: criteria provided, single submitter. Criteria: ACMG Guidelines, 2015. Collection method: clinical testing. Allele origin: germline. Inheritance: Autosomal dominant inheritance. Observed: 1 variant allele, 1 heterozygote.
Comment: This study involves interpretation of variants in research participants for the purpose of population health screening. Participant phenotype was not available at the time of variant classification. Additional details can be found in publication PMID: 35346344, PMCID: PMC8962531

Color Diagnostics, LLC DBA Color Health
Classification: Likely benign for Cardiomyopathy. Last evaluated: 2023-09-27. Review status: criteria provided, single submitter. Criteria: ACMG Guidelines, 2015. Collection method: clinical testing. Allele origin: germline.

GeneDx
Classification: Likely benign. Last evaluated: 2017-06-12. Review status: criteria provided, single submitter. Criteria: GeneDx Variant Classification (06012015). Collection method: clinical testing. Allele origin: germline. Affected: yes.
Comment: This variant is considered likely benign or benign based on one or more of the following criteria: it is a conservative change, it occurs at a poorly conserved position in the protein, it is predicted to be benign by multiple in silico algorithms, and/or has population frequency not consistent with disease.

NM_001005242.3(PKP2):c.2358C>T (p.Ala786=)

Gene: PKP2 (plakophilin 2; minus strand). Cytogenetic location: 12p11.21.
Variant type: single nucleotide variant.
Coding change: c.2358C>T on transcript NM_001005242.3 (MANE Select); coding-DNA position 2358, C replaced by T.
Protein change: p.Ala786=; no amino-acid change (alanine 786 retained).
Molecular consequence: synonymous variant.
Genome position (GRCh38, 1-based): chr12:32,792,731, G>A on the plus strand (C>T on the coding strand, the complement: PKP2 is on the minus strand). VCF-style: chr12-32792731-G-A. GRCh37 (hg19) VCF-style: chr12-32945665-G-A.
Other names: c.2490C>T, p.Ala830= (NM_004572.4).
Identifiers: ClinVar variation 517935 (VCV000517935.6), dbSNP rs1555140707, ClinGen allele CA479170722.